The following is an entry in ClinVar:

ClinVar aggregate classification (germline): Uncertain significance (1 of 4 stars; one submission).

Conditions:
Psoriasis 2. Identifiers: MedGen C1864497, MONDO:0011269, OMIM 602723.
Pityriasis rubra pilaris (PRP). Also called: Pityriasis rubra pilaris--familial type. Identifiers: Orphanet 2897, MedGen C0032027, MONDO:0100017, OMIM 173200, MONDO:0008251.

Submission:

Labcorp Genetics (formerly Invitae), Labcorp
Classification: Uncertain significance for Pityriasis rubra pilaris; Psoriasis 2. Last evaluated: 2025-03-04. Review status: criteria provided, single submitter. Criteria: Invitae Variant Classification Sherloc (09022015). Collection method: clinical testing. Allele origin: germline.
Comment: This sequence change replaces aspartic acid, which is acidic and polar, with glycine, which is neutral and non-polar, at codon 529 of the CARD14 protein (p.Asp529Gly). This variant is not present in population databases (gnomAD no frequency). This variant has not been reported in the literature in individuals affected with CARD14-related conditions. Invitae Evidence Modeling of protein sequence and biophysical properties (such as structural, functional, and spatial information, amino acid conservation, physicochemical variation, residue mobility, and thermodynamic stability) indicates that this missense variant is not expected to disrupt CARD14 protein function with a negative predictive value of 95%. In summary, the available evidence is currently insufficient to determine the role of this variant in disease. Therefore, it has been classified as a Variant of Uncertain Significance.

NM_001366385.1(CARD14):c.1586A>G (p.Asp529Gly)

Gene: CARD14 (caspase recruitment domain family member 14; plus strand). Cytogenetic location: 17q25.3.
Variant type: single nucleotide variant.
Coding change: c.1586A>G on transcript NM_001366385.1 (MANE Select); coding-DNA position 1586, A replaced by G.
Protein change: p.Asp529Gly; replaces aspartic acid 529 with glycine.
Molecular consequence: missense variant. On other transcripts: non-coding transcript variant (1).
Genome position (GRCh38, 1-based): chr17:80,195,644, A>G. VCF-style: chr17-80195644-A-G. GRCh37 (hg19) VCF-style: chr17-78169443-A-G.
Other names: c.1586A>G, p.Asp529Gly (NM_001257970.1, NM_024110.4); c.875A>G, p.Asp292Gly (NM_052819.3); short protein forms D292G, D529G.
Identifiers: ClinVar variation 4794593 (VCV004794593.1).
Genomic context (GRCh38, chr17:80,195,644, plus strand): 5'-ACCCGGGAGCCCTGCCGGGAGCTAAGGCAGGCGACCCACACCTGGATTATGAGCTCCTAG[A>G]CACGGCAGGTGAGCACGCCCAACCCTGAACCTCCACAGCAGTCCACCTCCCCTGGGCAGA-3'
Protein context (NP_001353314.1, residues 519-539): GDPHLDYELL[Asp529Gly]TADLPQLESS